The following is an entry in ClinVar:

ClinVar aggregate classification (germline): Uncertain significance (1 of 4 stars; one submission).

Submission:

Labcorp Genetics (formerly Invitae), Labcorp
Classification: Uncertain significance. Last evaluated: 2022-09-01. Review status: criteria provided, single submitter. Criteria: Invitae Variant Classification Sherloc (09022015). Collection method: clinical testing. Allele origin: germline.
Comment: This variant has not been reported in the literature in individuals affected with APTX-related conditions. This variant is present in population databases (no rsID available, gnomAD 0.006%). This sequence change falls in intron 8 of the APTX gene. It does not directly change the encoded amino acid sequence of the APTX protein. It affects a nucleotide within the consensus splice site. ClinVar contains an entry for this variant (Variation ID: 1395461). In summary, the available evidence is currently insufficient to determine the role of this variant in disease. Therefore, it has been classified as a Variant of Uncertain Significance. Variants that disrupt the consensus splice site are a relatively common cause of aberrant splicing (PMID: 17576681, 9536098). Algorithms developed to predict the effect of sequence changes on RNA splicing suggest that this variant is not likely to affect RNA splicing.

Literature cited by the submitters: PubMed 17576681; PubMed 9536098.

NM_001195248.2(APTX):c.874+6_874+7del

Gene: APTX (aprataxin; minus strand). Cytogenetic location: 9p21.1.
Variant type: Deletion.
Coding change: c.874+6_874+7del on transcript NM_001195248.2 (MANE Select); bases 6 to 7 of the intron after coding-DNA position 874, 2 bases deleted (CA; older notation c.874+6_874+7delCA).
Molecular consequence: intron variant.
Genome position (GRCh38, 1-based): chr9:32,974,451-32,974,452, TG deleted on the plus strand (CA on the coding strand, the reverse complement: APTX is on the minus strand); deleting any 2 consecutive bases within chr9:32,974,451-32,974,453 gives the same sequence; the c. name uses the placement nearest the transcript's 3' end. VCF-style (leftmost placement, unchanged base first): chr9-32974450-CTG-C. GRCh37 (hg19) VCF-style: chr9-32974448-CTG-C.
Other names: c.712+6_712+7del (NM_001369001.1, NM_001369000.1, NM_001195250.2 and 1 more transcripts); c.874+6_874+7del (NM_001368996.1, NM_001368995.1, NM_001368997.1 and 6 more transcripts); c.610+6_610+7del (NM_001369002.1, NM_001369003.1, NM_001369004.1 and 5 more transcripts); c.658+6_658+7del (NM_001195252.2).
Identifiers: ClinVar variation 1395461 (VCV001395461.6), dbSNP rs1483847207, ClinGen allele CA587151492.